The following is an entry in ClinVar:

ClinVar aggregate classification (germline): Uncertain significance (1 of 4 stars; one submission).

gnomAD v4.1: 1 of 1,612,810 alleles (0.000062%); highest among the groups gnomAD compares: Non-Finnish European, 0.000085%; no homozygotes.

Submission:

Women's Health and Genetics/Laboratory Corporation of America, LabCorp
Classification: Uncertain significance. Last evaluated: 2025-04-30. Review status: criteria provided, single submitter. Criteria: LabCorp Variant Classification Summary - May 2015. Collection method: clinical testing. Allele origin: germline.
Comment: Variant summary: OAT c.473A>G (p.Tyr158Cys) results in a non-conservative amino acid change in the encoded protein sequence. Five of five in-silico tools predict a damaging effect of the variant on protein function. The variant was absent in 251364 control chromosomes. The available data on variant occurrences in the general population are insufficient to allow any conclusion about variant significance. To our knowledge, no occurrence of c.473A>G in individuals affected with Ornithine Aminotransferase Deficiency and no experimental evidence demonstrating its impact on protein function have been reported. No submitters have cited clinical-significance assessments for this variant to ClinVar. Based on the evidence outlined above, the variant was classified as uncertain significance.

NM_000274.4(OAT):c.473A>G (p.Tyr158Cys)

Gene: OAT (ornithine aminotransferase; minus strand). Cytogenetic location: 10q26.13.
Variant type: single nucleotide variant.
Coding change: c.473A>G on transcript NM_000274.4 (MANE Select); coding-DNA position 473, A replaced by G.
Protein change: p.Tyr158Cys; replaces tyrosine 158 with cysteine.
Molecular consequence: missense variant. On other transcripts: 5 prime UTR variant (1), intron variant (1).
Genome position (GRCh38, 1-based): chr10:124,408,589, T>C on the plus strand (A>G on the coding strand, the complement: OAT is on the minus strand). VCF-style: chr10-124408589-T-C. GRCh37 (hg19) VCF-style: chr10-126097158-T-C.
Other names: c.59A>G, p.Tyr20Cys (NM_001171814.2); c.473A>G, p.Tyr158Cys (NM_001322965.2, NM_001322966.2, NM_001322967.2 and 3 more transcripts); c.-242A>G (NM_001322974.2); c.200-3026A>G (NM_001322971.2); short protein forms Y158C, Y20C.
Identifiers: ClinVar variation 3896452 (VCV003896452.2).
Genomic context (GRCh38, chr10:124,408,589, plus strand): 5'-TAATTTCACATACCTGCAAAAACAATCTTTGCTTTGTATTTCTGAATGCCCTTCACGGTA[T>C]AGCCCCACTTACGAGCTAGTTTACAGGCAGTCTCTCCAGCCTCCACTCCTATCAGGAGAG-3'
Protein context (NP_000265.1, residues 148-168): TACKLARKWG[Tyr158Cys]TVKGIQKYKA